The following is an entry in ClinVar:

ClinVar aggregate classification (germline): Uncertain significance (1 of 4 stars; one submission).

Submission:

Labcorp Genetics (formerly Invitae), Labcorp
Classification: Uncertain significance. Last evaluated: 2022-09-13. Review status: criteria provided, single submitter. Criteria: Invitae Variant Classification Sherloc (09022015). Collection method: clinical testing. Allele origin: germline.
Comment: In summary, the available evidence is currently insufficient to determine the role of this variant in disease. Therefore, it has been classified as a Variant of Uncertain Significance. Algorithms developed to predict the effect of missense changes on protein structure and function output the following: SIFT: "Tolerated"; PolyPhen-2: "Possibly Damaging"; Align-GVGD: "Class C0". The leucine amino acid residue is found in multiple mammalian species, which suggests that this missense change does not adversely affect protein function. This variant has not been reported in the literature in individuals affected with RGS9BP-related conditions. This variant is not present in population databases (gnomAD no frequency). This sequence change replaces valine, which is neutral and non-polar, with leucine, which is neutral and non-polar, at codon 229 of the RGS9BP protein (p.Val229Leu).

NM_207391.3(RGS9BP):c.685G>C (p.Val229Leu)

Gene: RGS9BP (regulator of G protein signaling 9 binding protein; plus strand). Cytogenetic location: 19q13.11.
Variant type: single nucleotide variant.
Coding change: c.685G>C on transcript NM_207391.3 (MANE Select); coding-DNA position 685, G replaced by C.
Protein change: p.Val229Leu; replaces valine 229 with leucine.
Molecular consequence: missense variant.
Genome position (GRCh38, 1-based): chr19:32,676,948, G>C. VCF-style: chr19-32676948-G-C. GRCh37 (hg19) VCF-style: chr19-33167854-G-C.
Other names: short protein forms V229L.
Identifiers: ClinVar variation 2079740 (VCV002079740.4), dbSNP rs780155121, ClinGen allele CA405187768.